The following is an entry in ClinVar:

NM_001165963.4(SCN1A):c.3695G>T (p.Ser1232Ile)

Genes: SCN1A (sodium voltage-gated channel alpha subunit 1; minus strand), LOC102724058 (uncharacterized LOC102724058; plus strand). Cytogenetic location: 2q24.3.
Variant type: single nucleotide variant.
Coding change: c.3695G>T on transcript NM_001165963.4 (MANE Select); coding-DNA position 3695, G replaced by T.
Protein change: p.Ser1232Ile; replaces serine 1232 with isoleucine.
Molecular consequence: missense variant. On other transcripts: non-coding transcript variant (1).
Genome position (GRCh38, 1-based): chr2:166,013,754, C>A on the plus strand (G>T on the coding strand, the complement: SCN1A is on the minus strand). VCF-style: chr2-166013754-C-A. GRCh37 (hg19) VCF-style: chr2-166870264-C-A.
Other names: c.3659G>T, p.Ser1220Ile (NM_001353955.2, NM_001353954.2); c.3611G>T, p.Ser1204Ile (NM_001353957.2, NM_001353958.2, NM_001165964.3); c.3608G>T, p.Ser1203Ile (NM_001353960.2); c.1253G>T, p.Ser418Ile (NM_001353961.2); c.3662G>T, p.Ser1221Ile (NM_006920.6, NM_001353949.2, NM_001353950.2 and 2 more transcripts); c.3695G>T, p.Ser1232Ile (NM_001202435.3, NM_001353948.2); short protein forms S1220I, S1203I, S1204I, S418I, S1221I, S1232I.
Identifiers: ClinVar variation 2757466 (VCV002757466.3), dbSNP rs2468530701, ClinGen allele CA349055665.

ClinVar aggregate classification (germline): Likely pathogenic (1 of 4 stars; one submission).

Conditions:
Early-infantile DEE. Also called: Ohtahara syndrome; Early infantile epileptic encephalopathy; Early infantile epileptic encephalopathy with suppression bursts. Identifiers: Orphanet 1934, MedGen C0393706, MONDO:0800491.

Submission:

Labcorp Genetics (formerly Invitae), Labcorp
Classification: Likely pathogenic for Early-infantile DEE. Last evaluated: 2023-09-03. Review status: criteria provided, single submitter. Criteria: Invitae Variant Classification Sherloc (09022015). Collection method: clinical testing. Allele origin: germline.
Comment: This variant disrupts the p.Ser1232 amino acid residue in SCN1A. Other variant(s) that disrupt this residue have been determined to be pathogenic (Invitae). This suggests that this residue is clinically significant, and that variants that disrupt this residue are likely to be disease-causing. This sequence change replaces serine, which is neutral and polar, with isoleucine, which is neutral and non-polar, at codon 1232 of the SCN1A protein (p.Ser1232Ile). This variant is not present in population databases (gnomAD no frequency). This missense change has been observed in individual(s) with autosomal dominant SCN1A-related conditions (Invitae). Advanced modeling of protein sequence and biophysical properties (such as structural, functional, and spatial information, amino acid conservation, physicochemical variation, residue mobility, and thermodynamic stability) performed at Invitae indicates that this missense variant is expected to disrupt SCN1A protein function. In summary, the currently available evidence indicates that the variant is pathogenic, but additional data are needed to prove that conclusively. Therefore, this variant has been classified as Likely Pathogenic.